The following is an entry in ClinVar:

NM_201384.3(PLEC):c.3581A>G (p.Gln1194Arg)

Gene: PLEC (plectin; minus strand). Cytogenetic location: 8q24.3.
Variant type: single nucleotide variant.
Coding change: c.3581A>G on transcript NM_201384.3 (MANE Select); coding-DNA position 3581, A replaced by G.
Protein change: p.Gln1194Arg; replaces glutamine 1194 with arginine.
Molecular consequence: missense variant.
Genome position (GRCh38, 1-based): chr8:143,927,585, T>C on the plus strand (A>G on the coding strand, the complement: PLEC is on the minus strand). VCF-style: chr8-143927585-T-C. GRCh37 (hg19) VCF-style: chr8-145001753-T-C.
Other names: c.3662A>G, p.Gln1221Arg (NM_000445.5, NM_001410941.1); c.3539A>G, p.Gln1180Arg (NM_201378.4); c.3515A>G, p.Gln1172Arg (NM_201379.3); c.3992A>G, p.Gln1331Arg (NM_201380.4); c.3485A>G, p.Gln1162Arg (NM_201381.3); c.3581A>G, p.Gln1194Arg (NM_201382.4); c.3593A>G, p.Gln1198Arg (NM_201383.3); short protein forms Q1172R, Q1162R, Q1194R, Q1198R, Q1221R, Q1180R, Q1331R.
Identifiers: ClinVar variation 2055432 (VCV002055432.4), dbSNP rs1825684352, ClinGen allele CA372565590.
Genomic context (GRCh38, chr8:143,927,585, plus strand): 5'-TCGCGGTAGTAACGCAGCTGGCGGCCCAGTTGCTCGAGCTCGCGCTGCCGCACGTCGGTC[T>C]GGGCCAGCACAGCCTGCCAGCGCTCAAGCAACTGGGCGACCCGCTCCCGCCAGCGCTCCA-3'
Protein context (NP_958786.1, residues 1184-1204): LLERWQAVLA[Gln1194Arg]TDVRQRELEQ

ClinVar aggregate classification (germline): Uncertain significance (1 of 4 stars; one submission).

Conditions:
Epidermolysis bullosa simplex 5B, with muscular dystrophy (EBS5B). Also called: EPIDERMOLYSIS BULLOSA SIMPLEX AND LIMB-GIRDLE MUSCULAR DYSTROPHY; Epidermolysis bullosa simplex with muscular dystrophy. Identifiers: Orphanet 257, MedGen C2931072, MONDO:0009181, OMIM 226670.
Epidermolysis bullosa simplex, Ogna type (EBS5A). Also called: Pidermolysis bullosa simplex 5A, Ogna type; EPIDERMOLYSIS BULLOSA SIMPLEX 5A, OGNA TYPE. Identifiers: Orphanet 79401, MedGen C0432317, MONDO:0007555, OMIM 131950.
Epidermolysis bullosa simplex 5C, with pyloric atresia (EBS5C). Also called: PLEC-Related Epidermolysis Bullosa with Pyloric Atresia; Epidermolysis bullosa simplex with pyloric atresia; PLEC1-Related Epidermolysis Bullosa with Pyloric Atresia. Identifiers: Orphanet 158684, MedGen C2677349, MONDO:0012807, OMIM 612138.
Autosomal recessive limb-girdle muscular dystrophy type 2Q (LGMDR17). Also called: MUSCULAR DYSTROPHY, LIMB-GIRDLE, AUTOSOMAL RECESSIVE 17. Identifiers: Orphanet 254361, MedGen C3150989, MONDO:0013390, OMIM 613723.
Epidermolysis bullosa simplex with nail dystrophy (EBS5D). Identifiers: MedGen C4225309, MONDO:0014661, OMIM 616487.

Allele frequency attached by ClinVar (database versions not stated): gnomAD exomes below 0.00001; TOPMed below 0.00001.
gnomAD v4.1: 1 of 1,589,780 alleles (0.000063%); highest among the groups gnomAD compares: Admixed American, 0.0017%; no homozygotes.

Submission:

Labcorp Genetics (formerly Invitae), Labcorp
Classification: Uncertain significance for Autosomal recessive limb-girdle muscular dystrophy type 2Q; Epidermolysis bullosa simplex, Ogna type; Epidermolysis bullosa simplex with nail dystrophy; Epidermolysis bullosa simplex 5C, with pyloric atresia; Epidermolysis bullosa simplex 5B, with muscular dystrophy. Last evaluated: 2025-01-13. Review status: criteria provided, single submitter. Criteria: Invitae Variant Classification Sherloc (09022015). Collection method: clinical testing. Allele origin: germline.
Comment: This sequence change replaces glutamine, which is neutral and polar, with arginine, which is basic and polar, at codon 1221 of the PLEC protein (p.Gln1221Arg). This variant is not present in population databases (gnomAD no frequency). This variant has not been reported in the literature in individuals affected with PLEC-related conditions. ClinVar contains an entry for this variant (Variation ID: 2055432). Invitae Evidence Modeling of protein sequence and biophysical properties (such as structural, functional, and spatial information, amino acid conservation, physicochemical variation, residue mobility, and thermodynamic stability) indicates that this missense variant is not expected to disrupt PLEC protein function with a negative predictive value of 80%. In summary, the available evidence is currently insufficient to determine the role of this variant in disease. Therefore, it has been classified as a Variant of Uncertain Significance.